The following is an entry in ClinVar:

ClinVar aggregate classification (germline): Conflicting classifications of pathogenicity. Review status: criteria provided, conflicting classifications (1 of 4 stars). 6 submissions from 6 submitters: Uncertain significance (4); Likely benign (1). 1 of the submissions does not count toward it. Last evaluated 2024-05-20.

Conditions:
Hereditary cancer-predisposing syndrome. Also called: Tumor predisposition; Hereditary Cancer Syndrome; Hereditary neoplastic syndrome; Neoplastic Syndromes, Hereditary. Identifiers: Orphanet 140162, MedGen C0027672, MeSH D009386, MONDO:0015356.
Microcephaly, normal intelligence and immunodeficiency (NBS). Also called: IMMUNODEFICIENCY, MICROCEPHALY, AND CHROMOSOMAL INSTABILITY; SEEMANOVA SYNDROME II; Nijmegen breakage syndrome; Microcephaly with normal intelligence immunodeficiency and lymphoreticular malignancies; Nonsyndromal microcephaly autosomal recessive with normal intelligence; Seemanova syndrome 2. Identifiers: Orphanet 647, MedGen C0398791, MONDO:0009623, OMIM 251260.
Aplastic anemia. Identifiers: Orphanet 182040, Orphanet 88, MedGen C0002874, MONDO:0015909, OMIM 609135, HP:0001915.

Allele frequency attached by ClinVar (database versions not stated): TOPMed 0.00001; 1000 Genomes Project 30x 0.00016; 1000 Genomes Project 0.00020.
gnomAD v4.1: 15 of 1,613,982 alleles (0.00093%); highest among the groups gnomAD compares: East Asian, 0.025%; no homozygotes.

Submissions (6):

Labcorp Genetics (formerly Invitae), Labcorp
Classification: Uncertain significance for Microcephaly, normal intelligence and immunodeficiency. Last evaluated: 2024-05-20. Review status: criteria provided, single submitter. Criteria: Invitae Variant Classification Sherloc (09022015). Collection method: clinical testing. Allele origin: germline.
Comment: This sequence change replaces isoleucine, which is neutral and non-polar, with methionine, which is neutral and non-polar, at codon 35 of the NBN protein (p.Ile35Met). This variant is present in population databases (rs78870221, gnomAD 0.06%). This variant has not been reported in the literature in individuals affected with NBN-related conditions. ClinVar contains an entry for this variant (Variation ID: 233580). An algorithm developed to predict the effect of missense changes on protein structure and function (PolyPhen-2) suggests that this variant is likely to be disruptive. In summary, the available evidence is currently insufficient to determine the role of this variant in disease. Therefore, it has been classified as a Variant of Uncertain Significance.

Baylor Genetics
Classification: Uncertain significance for Aplastic anemia. Last evaluated: 2024-03-24. Review status: criteria provided, single submitter. Criteria: ACMG Guidelines, 2015. Collection method: clinical testing. Allele origin: unknown.

Ambry Genetics
Classification: Likely benign for Hereditary cancer-predisposing syndrome. Last evaluated: 2022-12-22. Review status: criteria provided, single submitter. Criteria: Ambry Variant Classification Scheme 2023. Collection method: clinical testing. Allele origin: germline.

Genome-Nilou Lab
Classification: Uncertain significance for Microcephaly, normal intelligence and immunodeficiency. Last evaluated: 2021-11-07. Review status: criteria provided, single submitter. Criteria: ACMG Guidelines, 2015. Collection method: clinical testing. Allele origin: germline. Affected: no.

GeneDx
Classification: Uncertain significance. Last evaluated: 2019-12-24. Review status: criteria provided, single submitter. Criteria: GeneDx Variant Classification Process June 2021. Collection method: clinical testing. Allele origin: germline. Affected: yes.
Comment: In silico analysis, which includes protein predictors and evolutionary conservation, supports that this variant does not alter protein structure/function; Has not been previously published as pathogenic or benign to our knowledge; This variant is associated with the following publications: (PMID: 31278556)

Natera, Inc.
Classification: Uncertain significance for Nijmegen breakage syndrome. Last evaluated: 2020-09-16. Review status: no assertion criteria provided. Collection method: clinical testing. Allele origin: germline. Not counted in ClinVar's aggregate classification.

Literature cited by the submitters: PubMed 30287823 (cited by Ambry Genetics); PubMed 31278556 (cited by Ambry Genetics).

NM_002485.5(NBN):c.105T>G (p.Ile35Met)

Gene: NBN (nibrin; minus strand). Cytogenetic location: 8q21.3.
Variant type: single nucleotide variant.
Coding change: c.105T>G on transcript NM_002485.5 (MANE Select); coding-DNA position 105, T replaced by G.
Protein change: p.Ile35Met; replaces isoleucine 35 with methionine.
Molecular consequence: missense variant. On other transcripts: 5 prime UTR variant (1).
Genome position (GRCh38, 1-based): chr8:89,982,788, A>C on the plus strand (T>G on the coding strand, the complement: NBN is on the minus strand). VCF-style: chr8-89982788-A-C. GRCh37 (hg19) VCF-style: chr8-90995016-A-C.
Other names: c.-192T>G (NM_001024688.3); short protein forms I35M.
Identifiers: ClinVar variation 233580 (VCV000233580.25), dbSNP rs78870221, ClinGen allele CA4803056.